The following is an entry in ClinVar:

NM_015602.4(TOR1AIP1):c.909T>C (p.Asn303=)

Gene: TOR1AIP1 (torsin 1A interacting protein 1; plus strand). Cytogenetic location: 1q25.2.
Variant type: single nucleotide variant.
Coding change: c.909T>C on transcript NM_015602.4 (MANE Select); coding-DNA position 909, T replaced by C.
Protein change: p.Asn303=; no amino-acid change (asparagine 303 retained).
Molecular consequence: synonymous variant.
Genome position (GRCh38, 1-based): chr1:179,913,999, T>C. VCF-style: chr1-179913999-T-C. GRCh37 (hg19) VCF-style: chr1-179883134-T-C.
Other names: p.Asn304=; c.912T>C, p.Asn304= (NM_001267578.2).
Identifiers: ClinVar variation 476290 (VCV000476290.20), dbSNP rs115742637, ClinGen allele CA1269048.

ClinVar aggregate classification (germline): Benign. Review status: criteria provided, multiple submitters, no conflicts (2 of 4 stars). 6 submissions from 6 submitters: Benign (5). 1 of the submissions does not count toward it. Last evaluated 2026-01-19.

Conditions:
TOR1AIP1-related disorder. Also called: TOR1AIP1-related condition.
Autosomal recessive limb-girdle muscular dystrophy type 2Y (MRRSDC). Also called: Muscular dystrophy, limb-girdle, type 2y; Muscular dystrophy, autosomal recessive, with rigid spine and distal joint contractures. Identifiers: Orphanet 424261, MedGen C4511482, MONDO:0014900, OMIM 617072.

Allele frequency attached by ClinVar (database versions not stated): gnomAD exomes 0.00086 and 0.00233; ExAC 0.00295; gnomAD 0.00924 and 0.01001; ESP Exome Variant Server 0.01007; 1000 Genomes Project 0.01038; TOPMed 0.01053; 1000 Genomes Project 30x 0.01124.
gnomAD v4.1: 2,725 of 1,613,696 alleles (0.17%); highest among the groups gnomAD compares: African/African-American, 3.3%; 52 homozygotes.

Submissions (6):

Labcorp Genetics (formerly Invitae), Labcorp
Classification: Benign for Autosomal recessive limb-girdle muscular dystrophy type 2Y. Last evaluated: 2026-01-19. Review status: criteria provided, single submitter. Criteria: Invitae Variant Classification Sherloc (09022015). Collection method: clinical testing. Allele origin: germline.

Mayo Clinic Laboratories, Mayo Clinic
Classification: Benign. Last evaluated: 2024-08-09. Review status: criteria provided, single submitter. Criteria: ACMG Guidelines, 2015. Collection method: clinical testing. Allele origin: germline. Observed: 3 variant alleles.
Comment: BS1, BS2, BP4, BP7

Genome-Nilou Lab
Classification: Benign for Autosomal recessive limb-girdle muscular dystrophy type 2Y. Last evaluated: 2023-04-11. Review status: criteria provided, single submitter. Criteria: ACMG Guidelines, 2015. Collection method: clinical testing. Allele origin: germline. Affected: no.

GeneDx
Classification: Benign. Last evaluated: 2019-10-15. Review status: criteria provided, single submitter. Criteria: GeneDx Variant Classification Process June 2021. Collection method: clinical testing. Allele origin: germline. Affected: yes.

Breakthrough Genomics
Classification: Benign. Review status: criteria provided, single submitter. Criteria: ACMG Guidelines, 2015. Collection method: not provided. Allele origin: germline. Inheritance: Autosomal recessive inheritance. Affected: yes.

PreventionGenetics, part of Exact Sciences
Classification: Benign for TOR1AIP1-related condition. Last evaluated: 2019-09-25. Review status: no assertion criteria provided. Collection method: clinical testing. Allele origin: germline. Not counted in ClinVar's aggregate classification.
Comment: This variant is classified as benign based on ACMG/AMP sequence variant interpretation guidelines (Richards et al. 2015 PMID: 25741868, with internal and published modifications).